The following is an entry in ClinVar:

NM_000642.3(AGL):c.3310T>G (p.Phe1104Val)

Gene: AGL (amylo-alpha-1,6-glucosidase and 4-alpha-glucanotransferase; plus strand). Cytogenetic location: 1p21.2.
Variant type: single nucleotide variant.
Coding change: c.3310T>G on transcript NM_000642.3 (MANE Select); coding-DNA position 3310, T replaced by G.
Protein change: p.Phe1104Val; replaces phenylalanine 1104 with valine.
Molecular consequence: missense variant.
Genome position (GRCh38, 1-based): chr1:99,896,336, T>G. VCF-style: chr1-99896336-T-G. GRCh37 (hg19) VCF-style: chr1-100361892-T-G.
Other names: c.3310T>G, p.Phe1104Val (NM_000028.3, NM_001425325.1, NM_000643.3 and 1 more transcripts); c.3289T>G, p.Phe1097Val (NM_001425326.1); c.3109T>G, p.Phe1037Val (NM_001425327.1); c.3106T>G, p.Phe1036Val (NM_001425328.1); c.2971T>G, p.Phe991Val (NM_001425329.1); c.2932T>G, p.Phe978Val (NM_001425332.1); c.3262T>G, p.Phe1088Val (NM_000646.3); short protein forms F1088V, F1104V, F1036V, F1037V, F1097V, F978V, F991V.
Identifiers: ClinVar variation 1015700 (VCV001015700.6), dbSNP rs1653318386, ClinGen allele CA341328614.

ClinVar aggregate classification (germline): Uncertain significance (1 of 4 stars; one submission).

Conditions:
Glycogen storage disease type III (GSD3). Also called: Cori disease; FORBES DISEASE. Identifiers: Orphanet 366, MedGen C0017922, MONDO:0009291, OMIM 232400.

Submission:

Labcorp Genetics (formerly Invitae), Labcorp
Classification: Uncertain significance for Glycogen storage disease type III. Last evaluated: 2021-09-01. Review status: criteria provided, single submitter. Criteria: Invitae Variant Classification Sherloc (09022015). Collection method: clinical testing. Allele origin: germline.
Comment: This sequence change replaces phenylalanine with valine at codon 1104 of the AGL protein (p.Phe1104Val). The phenylalanine residue is moderately conserved and there is a small physicochemical difference between phenylalanine and valine. This variant is not present in population databases (ExAC no frequency). This variant has not been reported in the literature in individuals affected with AGL-related conditions. Algorithms developed to predict the effect of missense changes on protein structure and function are either unavailable or do not agree on the potential impact of this missense change (SIFT: "Tolerated"; PolyPhen-2: "Probably Damaging"; Align-GVGD: "Class C0"). In summary, the available evidence is currently insufficient to determine the role of this variant in disease. Therefore, it has been classified as a Variant of Uncertain Significance.